The following is an entry in ClinVar:

ClinVar aggregate classification (germline): Uncertain significance. Review status: criteria provided, multiple submitters, no conflicts (2 of 4 stars). 2 submissions from 2 submitters: Uncertain significance (2). Last evaluated 2025-04-02.

Conditions:
Hereditary cancer-predisposing syndrome. Also called: Neoplastic Syndromes, Hereditary; Hereditary neoplastic syndrome; Tumor predisposition; Hereditary Cancer Syndrome. Identifiers: Orphanet 140162, MedGen C0027672, MeSH D009386, MONDO:0015356.
Tuberous sclerosis 2 (TSC2). Identifiers: Orphanet 805, MedGen C1860707, MONDO:0013199, OMIM 613254.

Allele frequency attached by ClinVar (database versions not stated): gnomAD below 0.00001 and 0.00001; gnomAD exomes below 0.00001.
gnomAD v4.1: 2 of 1,612,470 alleles (0.00012%); highest among the groups gnomAD compares: South Asian, 0.0022%; no homozygotes.

Submissions (2):

Ambry Genetics
Classification: Uncertain significance for Hereditary cancer-predisposing syndrome. Last evaluated: 2025-04-02. Review status: criteria provided, single submitter. Criteria: Ambry Variant Classification Scheme 2023. Collection method: clinical testing. Allele origin: germline.
Comment: The p.V1272G variant (also known as c.3815T>G) is located in coding exon 31 of the TSC2 gene. The valine at codon 1272 is replaced by glycine, an amino acid with dissimilar properties. This change occurs in the first base pair of coding exon 31. This amino acid position is conserved. In addition, this alteration is predicted to be deleterious by in silico analysis. Based on the available evidence, the clinical significance of this variant remains unclear.

Labcorp Genetics (formerly Invitae), Labcorp
Classification: Uncertain significance for Tuberous sclerosis 2. Last evaluated: 2024-12-22. Review status: criteria provided, single submitter. Criteria: Invitae Variant Classification Sherloc (09022015). Collection method: clinical testing. Allele origin: germline.
Comment: This sequence change replaces valine, which is neutral and non-polar, with glycine, which is neutral and non-polar, at codon 1272 of the TSC2 protein (p.Val1272Gly). This variant is present in population databases (no rsID available, gnomAD 0.003%). This variant has not been reported in the literature in individuals affected with TSC2-related conditions. ClinVar contains an entry for this variant (Variation ID: 663001). An algorithm developed to predict the effect of missense changes on protein structure and function (PolyPhen-2) suggests that this variant is likely to be disruptive. In summary, the available evidence is currently insufficient to determine the role of this variant in disease. Therefore, it has been classified as a Variant of Uncertain Significance.

NM_000548.5(TSC2):c.3815T>G (p.Val1272Gly)

Gene: TSC2 (TSC complex subunit 2; plus strand). Cytogenetic location: 16p13.3.
Variant type: single nucleotide variant.
Coding change: c.3815T>G on transcript NM_000548.5 (MANE Select); coding-DNA position 3815, T replaced by G.
Protein change: p.Val1272Gly; replaces valine 1272 with glycine.
Molecular consequence: missense variant. On other transcripts: intron variant (6).
Genome position (GRCh38, 1-based): chr16:2,082,436, T>G. VCF-style: chr16-2082436-T-G. GRCh37 (hg19) VCF-style: chr16-2132437-T-G.
Other names: c.3083T>G, p.Val1028Gly (NM_001318831.2); c.3683T>G, p.Val1228Gly (NM_001370404.1); c.3686T>G, p.Val1229Gly (NM_001370405.1, NM_021055.3); c.3814+638T>G (NM_001114382.3); c.3685+638T>G (NM_001363528.2); c.3682+638T>G (NM_001077183.3); c.3574+638T>G (NM_001318827.2); c.3538+638T>G (NM_001318829.2); and 1 more; short protein forms V1228G, V1028G, V1229G, V1272G.
Identifiers: ClinVar variation 663001 (VCV000663001.11), dbSNP rs1319528505, ClinGen allele CA394294769.
Genomic context (GRCh38, chr16:2,082,436, plus strand): 5'-CTCGACCTGTGTGTAGCCCCTCCTCCTGCTGACGTGGCCGCACACGGCCTTCCCTTGCAG[T>G]GGCCTCTTTCTCCTCCCTGTACCAGTCCAGCTGCCAAGGACAGCTGCACAGGAGCGTTTC-3'
Protein context (NP_000539.2, residues 1262-1282): KPPPLPRSNT[Val1272Gly]ASFSSLYQSS